The following is an entry in ClinVar:

ClinVar aggregate classification (germline): Uncertain significance (1 of 4 stars; one submission).

Conditions:
Inborn genetic diseases. Identifiers: MedGen C0950123, MeSH D030342.

Submission:

Ambry Genetics
Classification: Uncertain significance for Inborn genetic diseases. Last evaluated: 2025-12-22. Review status: criteria provided, single submitter. Criteria: Ambry Variant Classification Scheme 2023. Collection method: clinical testing. Allele origin: germline.
Comment: The p.N90I variant (also known as c.269A>T), located in coding exon 2 of the ANKRD26 gene, results from an A to T substitution at nucleotide position 269. The asparagine at codon 90 is replaced by isoleucine, an amino acid with dissimilar properties. This amino acid position is conserved. In addition, this alteration is predicted to be tolerated by in silico analysis. Based on the available evidence, the clinical significance of this variant remains unclear.

NM_014915.3(ANKRD26):c.269A>T (p.Asn90Ile)

Gene: ANKRD26 (ankyrin repeat domain 26; minus strand). Cytogenetic location: 10p12.1.
Variant type: single nucleotide variant.
Coding change: c.269A>T on transcript NM_014915.3 (MANE Select); coding-DNA position 269, A replaced by T.
Protein change: p.Asn90Ile; replaces asparagine 90 with isoleucine.
Molecular consequence: missense variant.
Genome position (GRCh38, 1-based): chr10:27,093,773, T>A on the plus strand (A>T on the coding strand, the complement: ANKRD26 is on the minus strand). VCF-style: chr10-27093773-T-A. GRCh37 (hg19) VCF-style: chr10-27382702-T-A.
Other names: c.269A>T, p.Asn90Ile (NM_001256053.2); short protein forms N90I.
Identifiers: ClinVar variation 4842338 (VCV004842338.1).